The following is an entry in ClinVar:

ClinVar aggregate classification (germline): Conflicting classifications of pathogenicity. Review status: criteria provided, conflicting classifications (1 of 4 stars). 2 submissions from 2 submitters: Uncertain significance (1); Benign (1). Last evaluated 2023-11-18.

Conditions:
Neurodevelopmental disorder with progressive spasticity and brain white matter abnormalities. Also called: CEREBRAL PALSY, SPASTIC QUADRIPLEGIC, 1. Identifiers: Orphanet 210141, Orphanet 641353, MedGen C5436628, MONDO:0033613, OMIM 619026.

Allele frequency attached by ClinVar (database versions not stated): ExAC 0.00007; gnomAD exomes 0.00008; ESP Exome Variant Server 0.00015; 1000 Genomes Project 0.00020; gnomAD 0.00029 and 0.00033; TOPMed 0.00029; 1000 Genomes Project 30x 0.00031.
gnomAD v4.1: 124 of 1,613,022 alleles (0.0077%); highest among the groups gnomAD compares: African/African-American, 0.099%; no homozygotes.

Submissions (2):

Labcorp Genetics (formerly Invitae), Labcorp
Classification: Benign for Neurodevelopmental disorder with progressive spasticity and brain white matter abnormalities. Last evaluated: 2023-11-18. Review status: criteria provided, single submitter. Criteria: Invitae Variant Classification Sherloc (09022015). Collection method: clinical testing. Allele origin: germline.

Baylor Genetics
Classification: Uncertain significance. Last evaluated: 2020-09-03. Review status: criteria provided, single submitter. Criteria: ACMG Guidelines, 2015. Collection method: clinical testing. Allele origin: maternal. Affected: yes.
Comment: This variant was determined to be of uncertain significance according to ACMG Guidelines, 2015 [PMID:25741868].

NM_000817.3(GAD1):c.1184+17G>A

Gene: GAD1 (glutamate decarboxylase 1; plus strand). Cytogenetic location: 2q31.1.
Variant type: single nucleotide variant.
Coding change: c.1184+17G>A on transcript NM_000817.3 (MANE Select); 17 bases into the intron after coding-DNA position 1184, G replaced by A.
Molecular consequence: intron variant.
Genome position (GRCh38, 1-based): chr2:170,849,367, G>A. VCF-style: chr2-170849367-G-A. GRCh37 (hg19) VCF-style: chr2-171705877-G-A.
Identifiers: ClinVar variation 1028872 (VCV001028872.11), dbSNP rs180969459, ClinGen allele CA1962880.